The following is an entry in ClinVar:

ClinVar aggregate classification (germline): Uncertain significance (1 of 4 stars; one submission).

Allele frequency attached by ClinVar (database versions not stated): gnomAD 0.00001.
gnomAD v4.1: 1 of 1,613,718 alleles (0.000062%); highest among the groups gnomAD compares: East Asian, 0.0022%; no homozygotes.

Submission:

Labcorp Genetics (formerly Invitae), Labcorp
Classification: Uncertain significance. Last evaluated: 2024-01-04. Review status: criteria provided, single submitter. Criteria: Invitae Variant Classification Sherloc (09022015). Collection method: clinical testing. Allele origin: germline.
Comment: This sequence change replaces histidine, which is basic and polar, with asparagine, which is neutral and polar, at codon 75 of the A2ML1 protein (p.His75Asn). The frequency data for this variant in the population databases is considered unreliable, as metrics indicate poor data quality at this position in the gnomAD database. This variant has not been reported in the literature in individuals affected with A2ML1-related conditions. Algorithms developed to predict the effect of missense changes on protein structure and function output the following: SIFT: "Not Available"; PolyPhen-2: "Benign"; Align-GVGD: "Not Available". The asparagine amino acid residue is found in multiple mammalian species, which suggests that this missense change does not adversely affect protein function. In summary, the available evidence is currently insufficient to determine the role of this variant in disease. Therefore, it has been classified as a Variant of Uncertain Significance.

NM_144670.6(A2ML1):c.223C>A (p.His75Asn)

Genes: A2ML1 (alpha-2-macroglobulin like 1; plus strand), A2ML1-AS1 (A2ML1 antisense RNA 1; minus strand). Cytogenetic location: 12p13.31.
Variant type: single nucleotide variant.
Coding change: c.223C>A on transcript NM_144670.6 (MANE Select); coding-DNA position 223, C replaced by A.
Protein change: p.His75Asn; replaces histidine 75 with asparagine.
Molecular consequence: missense variant.
Genome position (GRCh38, 1-based): chr12:8,823,342, C>A. VCF-style: chr12-8823342-C-A. GRCh37 (hg19) VCF-style: chr12-8975938-C-A.
Other names: short protein forms H75N.
Identifiers: ClinVar variation 2974710 (VCV002974710.3), dbSNP rs1193623434, ClinGen allele CA383818451.
Genomic context (GRCh38, chr12:8,823,342, plus strand): 5'-ACTCTGGAGACCAAGGACAAGACCCAGAAGTTGCTAGAATACTCTGGACTGAAGAAGAGG[C>A]ACTTACATTGTATCTCCTTTCTTGTAAGCACAGACTCAGCCCTCACTCGAATCCCTTACT-3'
Protein context (NP_653271.3, residues 65-85): LLEYSGLKKR[His75Asn]LHCISFLVPP